The following is an entry in ClinVar:

NM_001655.5(ARCN1):c.1054T>A (p.Ser352Thr)

Gene: ARCN1 (archain 1 coat protein complex I subunit delta; plus strand). Cytogenetic location: 11q23.3.
Variant type: single nucleotide variant.
Coding change: c.1054T>A on transcript NM_001655.5 (MANE Select); coding-DNA position 1054, T replaced by A.
Protein change: p.Ser352Thr; replaces serine 352 with threonine.
Molecular consequence: missense variant. On other transcripts: non-coding transcript variant (1).
Genome position (GRCh38, 1-based): chr11:118,592,778, T>A. VCF-style: chr11-118592778-T-A. GRCh37 (hg19) VCF-style: chr11-118463493-T-A.
Other names: c.790T>A, p.Ser264Thr (NM_001142281.2, NM_001425081.1); c.1054T>A, p.Ser352Thr (NM_001425073.1, NM_001425078.1); c.1051T>A, p.Ser351Thr (NM_001425074.1, NM_001425079.1); c.997T>A, p.Ser333Thr (NM_001425075.1); c.985T>A, p.Ser329Thr (NM_001425076.1); c.889T>A, p.Ser297Thr (NM_001425077.1); c.610T>A, p.Ser204Thr (NM_001425080.1); short protein forms S204T, S351T, S329T, S264T, S297T, S333T, S352T.
Identifiers: ClinVar variation 4752116 (VCV004752116.1).

ClinVar aggregate classification (germline): Uncertain significance (1 of 4 stars; one submission).

gnomAD v4.1: 39 of 1,613,934 alleles (0.0024%); highest among the groups gnomAD compares: Non-Finnish European, 0.0028%; no homozygotes.

Submission:

Labcorp Genetics (formerly Invitae), Labcorp
Classification: Uncertain significance. Last evaluated: 2025-04-07. Review status: criteria provided, single submitter. Criteria: Invitae Variant Classification Sherloc (09022015). Collection method: clinical testing. Allele origin: germline.
Comment: This sequence change replaces serine, which is neutral and polar, with threonine, which is neutral and polar, at codon 352 of the ARCN1 protein (p.Ser352Thr). This variant is present in population databases (rs376911520, gnomAD 0.002%). This variant has not been reported in the literature in individuals affected with ARCN1-related conditions. An algorithm developed to predict the effect of missense changes on protein structure and function (PolyPhen-2) suggests that this variant is likely to be disruptive. In summary, the available evidence is currently insufficient to determine the role of this variant in disease. Therefore, it has been classified as a Variant of Uncertain Significance.